The following is an entry in ClinVar:

ClinVar aggregate classification (germline): Conflicting classifications of pathogenicity. Review status: criteria provided, conflicting classifications (1 of 4 stars). 3 submissions from 3 submitters: Uncertain significance (1); Likely benign (2). Last evaluated 2024-06-11.

Conditions:
Hereditary breast ovarian cancer syndrome. Also called: Hereditary breast and/or ovarian cancer syndrome; Hereditary breast and ovarian cancer syndrome; Breast and ovarian cancer; Hereditary breast and ovarian cancer; BRCA1- and BRCA2-Associated Hereditary Breast and Ovarian Cancer; Hereditary breast and ovarian cancer syndrome (HBOC). Identifiers: Orphanet 145, MedGen C0677776, MeSH D061325, MONDO:0003582. Disease mechanism: loss of function.
Breast-ovarian cancer, familial, susceptibility to, 2 (BROVCA2). Also called: BRCA2 Hereditary Breast and Ovarian Cancer. Identifiers: Orphanet 145, MedGen C2675520, MONDO:0012933, OMIM 612555. Disease mechanism: loss of function.

Submissions (3):

Blueprint Genetics
Classification: Likely benign. Last evaluated: 2024-06-11. Review status: criteria provided, single submitter. Criteria: ACMG Guidelines, 2015. Collection method: clinical testing. Allele origin: germline.

Labcorp Genetics (formerly Invitae), Labcorp
Classification: Likely benign for Hereditary breast ovarian cancer syndrome. Last evaluated: 2024-05-06. Review status: criteria provided, single submitter. Criteria: Invitae Variant Classification Sherloc (09022015). Collection method: clinical testing. Allele origin: germline.

All of Us Research Program, National Institutes of Health
Classification: Uncertain significance for Breast-ovarian cancer, familial, susceptibility to, 2. Last evaluated: 2023-06-26. Review status: criteria provided, single submitter. Criteria: ACMG Guidelines, 2015. Collection method: clinical testing. Allele origin: germline. Inheritance: Autosomal dominant inheritance. Observed: 1 variant allele, 1 heterozygote.
Comment: This variant causes an A to G nucleotide substitution at the +6 position of intron 12 of the BRCA2 gene. Splice site prediction tools indicate that this variant has two opposing effects on splicing, in that the variant is predicted to strengthen the reference intron 12 splice donor site and also created a weak cryptic donor site. To our knowledge, functional studies have not been reported for this variant. This variant has not been reported in individuals affected with hereditary cancer in the literature. This variant has not been identified in the general population by the Genome Aggregation Database (gnomAD). The available evidence is insufficient to determine the role of this variant in disease conclusively. Therefore, this variant is classified as a Variant of Uncertain Significance.

This study involves interpretation of variants in research participants for the purpose of population health screening. Participant phenotype was not available at the time of variant classification. Additional details can be found in publication PMID: 35346344, PMCID: PMC8962531

NM_000059.4(BRCA2):c.6937+6A>G

Gene: BRCA2 (BRCA2 DNA repair associated; plus strand). Cytogenetic location: 13q13.1.
Variant type: single nucleotide variant.
Coding change: c.6937+6A>G on transcript NM_000059.4 (MANE Select); 6 bases into the intron after coding-DNA position 6937, A replaced by G.
Molecular consequence: intron variant.
Genome position (GRCh38, 1-based): chr13:32,344,659, A>G. VCF-style: chr13-32344659-A-G. GRCh37 (hg19) VCF-style: chr13-32918796-A-G.
Other names: c.6937+6A>G (NM_001406720.1); c.6842-2168A>G (NM_001406719.1); c.2005+6A>G (NM_001406721.1); c.520+6A>G (NM_001406722.1).
Identifiers: ClinVar variation 3019348 (VCV003019348.5), dbSNP rs2548536090, ClinGen allele CA2740097649.